The following is an entry in ClinVar:

ClinVar aggregate classification (germline): Uncertain significance (1 of 4 stars; one submission).

Allele frequency attached by ClinVar (database versions not stated): gnomAD 0.00001.
gnomAD v4.1: 5 of 1,601,766 alleles (0.00031%); highest among the groups gnomAD compares: South Asian, 0.0011%; no homozygotes.

Submission:

Labcorp Genetics (formerly Invitae), Labcorp
Classification: Uncertain significance. Last evaluated: 2021-05-19. Review status: criteria provided, single submitter. Criteria: Invitae Variant Classification Sherloc (09022015). Collection method: clinical testing. Allele origin: germline.
Comment: This sequence change replaces valine with leucine at codon 979 of the SPEG protein (p.Val979Leu). The valine residue is highly conserved and there is a small physicochemical difference between valine and leucine. This variant is present in population databases (rs749784967, ExAC 0.02%). This variant has not been reported in the literature in individuals with SPEG-related conditions. Algorithms developed to predict the effect of missense changes on protein structure and function are either unavailable or do not agree on the potential impact of this missense change (SIFT: "Deleterious"; PolyPhen-2: "Probably Damaging"; Align-GVGD: "Class C0"). In summary, the available evidence is currently insufficient to determine the role of this variant in disease. Therefore, it has been classified as a Variant of Uncertain Significance.

NM_005876.5(SPEG):c.2935G>T (p.Val979Leu)

Gene: SPEG (striated muscle enriched protein kinase; plus strand). Cytogenetic location: 2q35.
Variant type: single nucleotide variant.
Coding change: c.2935G>T on transcript NM_005876.5 (MANE Select); coding-DNA position 2935, G replaced by T.
Protein change: p.Val979Leu; replaces valine 979 with leucine.
Molecular consequence: missense variant.
Genome position (GRCh38, 1-based): chr2:219,467,227, G>T. VCF-style: chr2-219467227-G-T. GRCh37 (hg19) VCF-style: chr2-220331949-G-T.
Other names: short protein forms V979L.
Identifiers: ClinVar variation 1477353 (VCV001477353.7), dbSNP rs749784967, ClinGen allele CA2126033.